The following is an entry in ClinVar:

ClinVar aggregate classification (germline): Uncertain significance (1 of 4 stars; one submission).

Conditions:
Fanconi anemia (FA). Also called: Fanconi's anemia. Identifiers: Orphanet 84, MedGen C0015625, MeSH D005199, MONDO:0019391.

Submission:

Labcorp Genetics (formerly Invitae), Labcorp
Classification: Uncertain significance for Fanconi anemia. Last evaluated: 2025-11-12. Review status: criteria provided, single submitter. Criteria: Invitae Variant Classification Sherloc (09022015). Collection method: clinical testing. Allele origin: germline.
Comment: This sequence change replaces proline, which is neutral and non-polar, with serine, which is neutral and polar, at codon 263 of the FANCA protein (p.Pro263Ser). This variant is not present in population databases (gnomAD no frequency). This variant has not been reported in the literature in individuals affected with FANCA-related conditions. Invitae Evidence Modeling of protein sequence and biophysical properties (such as structural, functional, and spatial information, amino acid conservation, physicochemical variation, residue mobility, and thermodynamic stability) indicates that this missense variant is not expected to disrupt FANCA protein function with a negative predictive value of 95%. In summary, the available evidence is currently insufficient to determine the role of this variant in disease. Therefore, it has been classified as a Variant of Uncertain Significance.

NM_000135.4(FANCA):c.787C>T (p.Pro263Ser)

Gene: FANCA (FA complementation group A; minus strand). Cytogenetic location: 16q24.3.
Variant type: single nucleotide variant.
Coding change: c.787C>T on transcript NM_000135.4 (MANE Select); coding-DNA position 787, C replaced by T.
Protein change: p.Pro263Ser; replaces proline 263 with serine.
Molecular consequence: missense variant.
Genome position (GRCh38, 1-based): chr16:89,803,264, G>A on the plus strand (C>T on the coding strand, the complement: FANCA is on the minus strand). VCF-style: chr16-89803264-G-A. GRCh37 (hg19) VCF-style: chr16-89869672-G-A.
Other names: c.787C>T, p.Pro263Ser (NM_001018112.3, NM_001286167.3); c.691C>T, p.Pro231Ser (NM_001351830.2); short protein forms P231S, P263S.
Identifiers: ClinVar variation 4751823 (VCV004751823.1).